The following is an entry in ClinVar:

NM_004438.5(EPHA4):c.143G>A (p.Ser48Asn)

Gene: EPHA4 (EPH receptor A4; minus strand). Cytogenetic location: 2q36.1.
Variant type: single nucleotide variant.
Coding change: c.143G>A on transcript NM_004438.5 (MANE Select); coding-DNA position 143, G replaced by A.
Protein change: p.Ser48Asn; replaces serine 48 with asparagine.
Molecular consequence: missense variant. On other transcripts: intron variant (1).
Genome position (GRCh38, 1-based): chr2:221,568,734, C>T on the plus strand (G>A on the coding strand, the complement: EPHA4 is on the minus strand). VCF-style: chr2-221568734-C-T. GRCh37 (hg19) VCF-style: chr2-222433454-C-T.
Other names: c.143G>A, p.Ser48Asn (NM_001304536.2, NM_001363748.2); c.6+3424G>A (NM_001304537.2); short protein forms S48N.
Identifiers: ClinVar variation 1371646 (VCV001371646.8), dbSNP rs772289765, ClinGen allele CA2135302.

ClinVar aggregate classification (germline): Uncertain significance (1 of 4 stars; one submission).

Allele frequency attached by ClinVar (database versions not stated): gnomAD 0.00001; TOPMed 0.00002; gnomAD exomes 0.00003 and 0.00004; ExAC 0.00007.
gnomAD v4.1: 20 of 1,613,650 alleles (0.0012%); highest among the groups gnomAD compares: Admixed American, 0.023%; no homozygotes.

Submission:

Labcorp Genetics (formerly Invitae), Labcorp
Classification: Uncertain significance. Last evaluated: 2025-08-01. Review status: criteria provided, single submitter. Criteria: Invitae Variant Classification Sherloc (09022015). Collection method: clinical testing. Allele origin: germline.
Comment: This sequence change replaces serine, which is neutral and polar, with asparagine, which is neutral and polar, at codon 48 of the EPHA4 protein (p.Ser48Asn). This variant is present in population databases (rs772289765, gnomAD 0.02%). This variant has not been reported in the literature in individuals affected with EPHA4-related conditions. ClinVar contains an entry for this variant (Variation ID: 1371646). Invitae Evidence Modeling of protein sequence and biophysical properties (such as structural, functional, and spatial information, amino acid conservation, physicochemical variation, residue mobility, and thermodynamic stability) indicates that this missense variant is not expected to disrupt EPHA4 protein function with a negative predictive value of 80%. In summary, the available evidence is currently insufficient to determine the role of this variant in disease. Therefore, it has been classified as a Variant of Uncertain Significance.